The following is an entry in ClinVar:

ClinVar aggregate classification (germline): Likely pathogenic (0 of 4 stars; one submission).

Conditions:
Imerslund-Grasbeck syndrome. Also called: PERNICIOUS ANEMIA, JUVENILE, DUE TO SELECTIVE INTESTINAL MALABSORPTION OF VITAMIN B12, WITH PROTEINURIA; Megaloblastic anemia due to inborn errors of metabolism; Imerslund-Gräsbeck syndrome; ENTEROCYTE COBALAMIN MALABSORPTION; ENTEROCYTE INTRINSIC FACTOR RECEPTOR, DEFECT OF. Identifiers: Orphanet 35858, MedGen C4551825, MONDO:0009853.

Submission:

Juha Muilu Group; Institute for Molecular Medicine Finland (FIMM)
Classification: Likely pathogenic for Megaloblastic anemia due to inborn errors of metabolism. Review status: no assertion criteria provided. Collection method: not provided. Allele origin: unknown.
Comment: FinDis database variant: This variant was not found or characterized by our laboratory, data were collected from public sources: see reference
ClinVar note: Converted during submission from probable-pathogenic to Likely pathogenic.

NM_030943.4(AMN):c.1006+36_1007-29del

Genes: AMN (amnion associated transmembrane protein; plus strand), LOC130056554 (ATAC-STARR-seq lymphoblastoid silent region 6136; plus strand). Cytogenetic location: 14q32.32.
Variant type: Deletion.
Coding change: c.1006+36_1007-29del on transcript NM_030943.4 (MANE Select); 36 bases into the intron after coding-DNA position 1006 through 29 bases into the intron before coding-DNA position 1007, 15 bases deleted (TCGCCCCGCCGCGGG).
Molecular consequence: intron variant.
Genome position (GRCh38, 1-based): chr14:102,930,122-102,930,136, TCGCCCCGCCGCGGG deleted. VCF-style (leftmost placement, unchanged base first): chr14-102930121-CTCGCCCCGCCGCGGG-C. GRCh37 (hg19) VCF-style: chr14-103396458-CTCGCCCCGCCGCGGG-C.
Identifiers: ClinVar variation 56743 (VCV000056743.2), dbSNP rs386834162, ClinGen allele CA144401.